The following is an entry in ClinVar:

ClinVar aggregate classification (germline): Likely pathogenic (1 of 4 stars; one submission).

Conditions:
Brody myopathy. Also called: BRODY DISEASE. Identifiers: Orphanet 53347, MedGen C1832918, MONDO:0010977, OMIM 601003.

Allele frequency attached by ClinVar (database versions not stated): gnomAD exomes below 0.00001; gnomAD 0.00001.
gnomAD v4.1: 3 of 1,613,720 alleles (0.00019%); highest among the groups gnomAD compares: African/African-American, 0.004%; no homozygotes.

Submission:

Labcorp Genetics (formerly Invitae), Labcorp
Classification: Likely pathogenic for Brody myopathy. Last evaluated: 2023-12-19. Review status: criteria provided, single submitter. Criteria: Invitae Variant Classification Sherloc (09022015). Collection method: clinical testing. Allele origin: germline.
Comment: This sequence change affects a donor splice site in intron 17 of the ATP2A1 gene. It is expected to disrupt RNA splicing. Variants that disrupt the donor or acceptor splice site typically lead to a loss of protein function (PMID: 16199547), and loss-of-function variants in ATP2A1 are known to be pathogenic (PMID: 8841193, 10914677, 23911890). This variant is not present in population databases (gnomAD no frequency). This variant has not been reported in the literature in individuals affected with ATP2A1-related conditions. Algorithms developed to predict the effect of sequence changes on RNA splicing suggest that this variant may disrupt the consensus splice site. In summary, the currently available evidence indicates that the variant is pathogenic, but additional data are needed to prove that conclusively. Therefore, this variant has been classified as Likely Pathogenic.

Literature cited by the submitters: PubMed 16199547; PubMed 8841193; PubMed 10914677; PubMed 23911890.

NM_004320.6(ATP2A1):c.2524+1G>A

Gene: ATP2A1 (ATPase sarcoplasmic/endoplasmic reticulum Ca2+ transporting 1; plus strand). Cytogenetic location: 16p11.2.
Variant type: single nucleotide variant.
Coding change: c.2524+1G>A on transcript NM_004320.6 (MANE Select); the canonical splice donor site of the intron after coding-DNA position 2524, G replaced by A.
Molecular consequence: splice donor variant.
Genome position (GRCh38, 1-based): chr16:28,902,387, G>A. VCF-style: chr16-28902387-G-A. GRCh37 (hg19) VCF-style: chr16-28913708-G-A.
Other names: c.2524+1G>A (NM_173201.5); c.2149+1G>A (NM_001286075.2).
Identifiers: ClinVar variation 2726757 (VCV002726757.3), dbSNP rs1964105013, ClinGen allele CA395414518.